The following is an entry in ClinVar:

NM_001190274.2(FBXO11):c.172C>G (p.Pro58Ala)

Gene: FBXO11 (F-box protein 11; minus strand). Cytogenetic location: 2p16.3.
Variant type: single nucleotide variant.
Coding change: c.172C>G on transcript NM_001190274.2 (MANE Select); coding-DNA position 172, C replaced by G.
Protein change: p.Pro58Ala; replaces proline 58 with alanine.
Molecular consequence: missense variant.
Genome position (GRCh38, 1-based): chr2:47,905,549, G>C on the plus strand (C>G on the coding strand, the complement: FBXO11 is on the minus strand). VCF-style: chr2-47905549-G-C. GRCh37 (hg19) VCF-style: chr2-48132688-G-C.
Other names: short protein forms P58A.
Identifiers: ClinVar variation 1031219 (VCV001031219.1), dbSNP rs1678728572, ClinGen allele CA346812582.

ClinVar aggregate classification (germline): Uncertain significance (1 of 4 stars; one submission).

Conditions:
Intellectual developmental disorder with dysmorphic facies and behavioral abnormalities. Identifiers: MedGen C4748135, MONDO:0060760, OMIM 618089.

gnomAD v4.1: 1 of 1,245,188 alleles (0.00008%); highest among the groups gnomAD compares: Non-Finnish European, 0.0001%; no homozygotes.

Submission:

Baylor Genetics
Classification: Uncertain significance for Intellectual developmental disorder with dysmorphic facies and behavioral abnormalities. Last evaluated: 2020-06-03. Review status: criteria provided, single submitter. Criteria: ACMG Guidelines, 2015. Collection method: clinical testing. Allele origin: unknown. Affected: yes.
Comment: This variant was determined to be of uncertain significance according to ACMG Guidelines, 2015 [PMID:25741868].